The following is an entry in ClinVar:

NM_030665.4(RAI1):c.3005G>A (p.Arg1002Gln)

Gene: RAI1 (retinoic acid induced 1; plus strand). Cytogenetic location: 17p11.2.
Variant type: single nucleotide variant.
Coding change: c.3005G>A on transcript NM_030665.4 (MANE Select); coding-DNA position 3005, G replaced by A.
Protein change: p.Arg1002Gln; replaces arginine 1002 with glutamine.
Molecular consequence: missense variant.
Genome position (GRCh38, 1-based): chr17:17,795,953, G>A. VCF-style: chr17-17795953-G-A. GRCh37 (hg19) VCF-style: chr17-17699267-G-A.
Other names: short protein forms R1002Q.
Identifiers: ClinVar variation 4979355 (VCV004979355.1).

ClinVar aggregate classification (germline): Uncertain significance (1 of 4 stars; one submission).

Conditions:
RAI1-related disorder. Also called: RAI1-related condition.

gnomAD v4.1: 8 of 1,605,210 alleles (0.0005%); highest among the groups gnomAD compares: Admixed American, 0.0017%; no homozygotes.

Submission:

PreventionGenetics, part of Exact Sciences
Classification: Uncertain significance for RAI1-related condition. Last evaluated: 2025-04-14. Review status: criteria provided, single submitter. Criteria: ACMG Guidelines, 2015. Collection method: clinical testing. Allele origin: germline.
Comment: The RAI1 c.3005G>A variant is predicted to result in the amino acid substitution p.Arg1002Gln. To our knowledge, this variant has not been reported in the literature. This variant is reported in 0.0030% of alleles in individuals of Latino descent in gnomAD. At this time, the clinical significance of this variant is uncertain due to the absence of conclusive functional and genetic evidence.